The following is an entry in ClinVar:

NM_000455.5(STK11):c.863-16G>A

Gene: STK11 (serine/threonine kinase 11; plus strand). Cytogenetic location: 19p13.3.
Variant type: single nucleotide variant.
Coding change: c.863-16G>A on transcript NM_000455.5 (MANE Select); 16 bases into the intron before coding-DNA position 863, G replaced by A.
Molecular consequence: intron variant.
Genome position (GRCh38, 1-based): chr19:1,221,933, G>A. VCF-style: chr19-1221933-G-A. GRCh37 (hg19) VCF-style: chr19-1221932-G-A.
Identifiers: ClinVar variation 492565 (VCV000492565.19), dbSNP rs373096204, ClinGen allele CA049331.
Genomic context (GRCh38, chr19:1,221,933, plus strand): 5'-GCTGGGCAGGCGGGGACGGTTGGTGGGGTCTCAGGCCTGTGCCCAGCTGACAGGCTCCTC[G>A]CCGGCTTCTCCTCAGGGATGCTTGAGTACGAACCGGCCAAGAGGTTCTCCATCCGGCAGA-3'

ClinVar aggregate classification (germline): Benign/Likely benign. Review status: criteria provided, multiple submitters, no conflicts (2 of 4 stars). 7 submissions from 7 submitters: Benign (2); Likely benign (5). Last evaluated 2026-01-19.

Conditions:
Peutz-Jeghers syndrome (PJS). Also called: POLYPOSIS, HAMARTOMATOUS INTESTINAL; POLYPS-AND-SPOTS SYNDROME; Peutz-Jeghers polyposis; Periorificial lentiginosis syndrome. Identifiers: Orphanet 2869, MedGen C0031269, MeSH D010580, MONDO:0008280, OMIM 175200.
Hereditary cancer-predisposing syndrome. Also called: Tumor predisposition; Neoplastic Syndromes, Hereditary; Hereditary Cancer Syndrome; Hereditary neoplastic syndrome. Identifiers: Orphanet 140162, MedGen C0027672, MeSH D009386, MONDO:0015356.

Allele frequency attached by ClinVar (database versions not stated): ExAC below 0.00001; gnomAD exomes 0.00005; gnomAD 0.00007; ESP Exome Variant Server 0.00009; TOPMed 0.00010; 1000 Genomes Project 30x 0.00031.
gnomAD v4.1: 43 of 1,551,482 alleles (0.0028%); highest among the groups gnomAD compares: African/African-American, 0.023%; no homozygotes.

Submissions (7):

Labcorp Genetics (formerly Invitae), Labcorp
Classification: Likely benign for Peutz-Jeghers syndrome. Last evaluated: 2026-01-19. Review status: criteria provided, single submitter. Criteria: Invitae Variant Classification Sherloc (09022015). Collection method: clinical testing. Allele origin: germline.

Center for Genomic Medicine, Rigshospitalet, Copenhagen University Hospital
Classification: Likely benign. Last evaluated: 2025-12-29. Review status: criteria provided, single submitter. Criteria: ACMG Guidelines, 2015. Collection method: clinical testing. Allele origin: germline.

Myriad Genetics, Inc.
Classification: Likely benign for Peutz-Jeghers syndrome. Last evaluated: 2025-03-27. Review status: criteria provided, single submitter. Criteria: Myriad Autosomal Dominant, Autosomal Recessive and X-Linked Classification Criteria (2023). Collection method: clinical testing. Allele origin: unknown.
Comment: This variant is considered likely benign. This variant is intronic and is not expected to impact mRNA splicing.

Sema4
Classification: Benign for Hereditary cancer-predisposing syndrome. Last evaluated: 2021-09-30. Review status: criteria provided, single submitter. Criteria: Sema4 Curation Guidelines. Collection method: curation. Allele origin: germline.

Genome-Nilou Lab
Classification: Likely benign for Peutz-Jeghers syndrome. Last evaluated: 2021-07-15. Review status: criteria provided, single submitter. Criteria: ACMG Guidelines, 2015. Collection method: clinical testing. Allele origin: germline. Affected: no.

Color Diagnostics, LLC DBA Color Health
Classification: Likely benign for Hereditary cancer-predisposing syndrome. Last evaluated: 2016-09-23. Review status: criteria provided, single submitter. Criteria: ACMG Guidelines, 2015. Collection method: clinical testing. Allele origin: germline.

GeneDx
Classification: Benign. Last evaluated: 2015-03-03. Review status: criteria provided, single submitter. Criteria: GeneDx Variant Classification Process June 2021. Collection method: clinical testing. Allele origin: germline. Affected: yes.